The following is an entry in ClinVar:

ClinVar aggregate classification (germline): Likely pathogenic (0 of 4 stars; one submission).

Conditions:
PTPRQ-related disorder. Also called: PTPRQ-related condition.

Submission:

PreventionGenetics, part of Exact Sciences
Classification: Likely pathogenic for PTPRQ-related condition. Last evaluated: 2023-12-29. Review status: no assertion criteria provided. Collection method: clinical testing. Allele origin: germline.
Comment: The PTPRQ c.1736delA variant is predicted to result in a frameshift and premature protein termination (p.Asn579Ilefs*21). To our knowledge, this variant has not been reported in the literature. This variant is reported in 0.0051% of alleles in individuals of South Asian descent in gnomAD. Frameshift variants in PTPRQ are expected to be pathogenic. We interpret this variant as likely pathogenic.

NM_001145026.2(PTPRQ):c.1736del (p.Asn579fs)

Gene: PTPRQ (protein tyrosine phosphatase receptor type Q; plus strand). Cytogenetic location: 12q21.31.
Variant type: Deletion.
Coding change: c.1736del on transcript NM_001145026.2 (MANE Select); coding-DNA position 1736, one base deleted (A; older notation c.1736delA).
Protein change: p.Asn579fs; shifts the reading frame from asparagine 579.
Molecular consequence: frameshift variant.
Genome position (GRCh38, 1-based): chr12:80,495,225, A deleted; the last of 5 consecutive A bases (chr12:80,495,221-80,495,225); deleting any one gives the same sequence. VCF-style (leftmost placement, unchanged base first): chr12-80495220-TA-T. GRCh37 (hg19) VCF-style: chr12-80888999-TA-T.
Other names: short protein forms N579fs.
Identifiers: ClinVar variation 3031409 (VCV003031409.2), dbSNP rs1283638306, ClinGen allele CA606674091.